The following is an entry in ClinVar:

ClinVar aggregate classification (germline): Likely benign. Review status: criteria provided, multiple submitters, no conflicts (2 of 4 stars). 4 submissions from 4 submitters: Likely benign (3). 1 of the submissions does not count toward it. Last evaluated 2025-04-20.

Conditions:
Hyperaldosteronism, familial, type IV (HALD4). Also called: FH IV; ALDOSTERONISM, PRIMARY, AND HYPERTENSION. Identifiers: Orphanet 642671, MedGen C4310756, MONDO:0014875, OMIM 617027.
Idiopathic generalized epilepsy. Also called: EIG; Generalised epilepsy. Identifiers: MedGen C0270850, MONDO:0005579, OMIM 600669.
CACNA1H-related disorder.

Allele frequency attached by ClinVar (database versions not stated): ExAC 0.00007; ESP Exome Variant Server 0.00008.
gnomAD v4.1: 90 of 1,612,930 alleles (0.0056%); highest among the groups gnomAD compares: East Asian, 0.0067%; no homozygotes.

Submissions (4):

Labcorp Genetics (formerly Invitae), Labcorp
Classification: Likely benign for Idiopathic generalized epilepsy; Hyperaldosteronism, familial, type IV. Last evaluated: 2025-04-20. Review status: criteria provided, single submitter. Criteria: Invitae Variant Classification Sherloc (09022015). Collection method: clinical testing. Allele origin: germline.

Blueprint Genetics
Classification: Likely benign. Last evaluated: 2023-06-08. Review status: criteria provided, single submitter. Criteria: ACMG Guidelines, 2015. Collection method: clinical testing. Allele origin: germline.

CeGaT Center for Human Genetics Tuebingen
Classification: Likely benign. Last evaluated: 2022-03-01. Review status: criteria provided, single submitter. Criteria: CeGaT Center For Human Genetics Tuebingen Variant Classification Criteria Version 2. Collection method: clinical testing. Allele origin: germline. Affected: yes. Observed: 1 variant allele.
Comment: CACNA1H: BP4, BP7

PreventionGenetics, part of Exact Sciences
Classification: Likely benign for CACNA1H-related condition. Last evaluated: 2019-09-03. Review status: no assertion criteria provided. Collection method: clinical testing. Allele origin: germline. Not counted in ClinVar's aggregate classification.
Comment: This variant is classified as likely benign based on ACMG/AMP sequence variant interpretation guidelines (Richards et al. 2015 PMID: 25741868, with internal and published modifications).

NM_021098.3(CACNA1H):c.2985C>T (p.Phe995=)

Gene: CACNA1H (calcium voltage-gated channel subunit alpha1 H; plus strand). Cytogenetic location: 16p13.3.
Variant type: single nucleotide variant.
Coding change: c.2985C>T on transcript NM_021098.3 (MANE Select); coding-DNA position 2985, C replaced by T.
Protein change: p.Phe995=; no amino-acid change (phenylalanine 995 retained).
Molecular consequence: synonymous variant.
Genome position (GRCh38, 1-based): chr16:1,207,352, C>T. VCF-style: chr16-1207352-C-T. GRCh37 (hg19) VCF-style: chr16-1257352-C-T.
Other names: c.2985C>T, p.Phe995= (NM_001005407.2); c.2985C>T (NM_021098.2).
Identifiers: ClinVar variation 1143602 (VCV001143602.34), dbSNP rs371675943, ClinGen allele CA7800537.